The following is an entry in ClinVar:

ClinVar aggregate classification (germline): Uncertain significance (1 of 4 stars; one submission).

Conditions:
Compton-North congenital myopathy (CMYO12). Identifiers: Orphanet 210163, MedGen C2675527, MONDO:0012929, OMIM 612540.

Allele frequency attached by ClinVar (database versions not stated): TOPMed 0.00001.
gnomAD v4.1: 58 of 1,613,504 alleles (0.0036%); highest among the groups gnomAD compares: Middle Eastern, 0.016%; no homozygotes.

Submission:

Labcorp Genetics (formerly Invitae), Labcorp
Classification: Uncertain significance for Compton-North congenital myopathy. Last evaluated: 2022-11-01. Review status: criteria provided, single submitter. Criteria: Invitae Variant Classification Sherloc (09022015). Collection method: clinical testing. Allele origin: germline.
Comment: Variants that disrupt the consensus splice site are a relatively common cause of aberrant splicing (PMID: 17576681, 9536098). Algorithms developed to predict the effect of sequence changes on RNA splicing suggest that this variant is not likely to affect RNA splicing. In summary, the available evidence is currently insufficient to determine the role of this variant in disease. Therefore, it has been classified as a Variant of Uncertain Significance. ClinVar contains an entry for this variant (Variation ID: 844003). This variant has not been reported in the literature in individuals affected with CNTN1-related conditions. This variant is present in population databases (rs764189993, gnomAD 0.003%). This sequence change affects codon 728 of the CNTN1 mRNA. It is a 'silent' change, meaning that it does not change the encoded amino acid sequence of the CNTN1 protein. This variant also falls at the last nucleotide of exon 18, which is part of the consensus splice site for this exon.

Literature cited by the submitters: PubMed 17576681; PubMed 9536098.

NM_001843.4(CNTN1):c.2184G>A (p.Ala728=)

Gene: CNTN1 (contactin 1; plus strand). Cytogenetic location: 12q12.
Variant type: single nucleotide variant.
Coding change: c.2184G>A on transcript NM_001843.4 (MANE Select); coding-DNA position 2184, G replaced by A.
Protein change: p.Ala728=; no amino-acid change (alanine 728 retained).
Molecular consequence: synonymous variant.
Genome position (GRCh38, 1-based): chr12:41,014,298, G>A. VCF-style: chr12-41014298-G-A. GRCh37 (hg19) VCF-style: chr12-41408100-G-A.
Other names: c.2151G>A, p.Ala717= (NM_175038.2).
Identifiers: ClinVar variation 844003 (VCV000844003.8), dbSNP rs764189993, ClinGen allele CA235947415.